The following is an entry in ClinVar:

NM_006267.5(RANBP2):c.9253T>C (p.Phe3085Leu)

Gene: RANBP2 (RAN binding protein 2; plus strand). Cytogenetic location: 2q13.
Variant type: single nucleotide variant.
Coding change: c.9253T>C on transcript NM_006267.5 (MANE Select); coding-DNA position 9253, T replaced by C.
Protein change: p.Phe3085Leu; replaces phenylalanine 3085 with leucine.
Molecular consequence: missense variant.
Genome position (GRCh38, 1-based): chr2:108,782,746, T>C. VCF-style: chr2-108782746-T-C. GRCh37 (hg19) VCF-style: chr2-109399202-T-C.
Other names: short protein forms F3085L.
Identifiers: ClinVar variation 574717 (VCV000574717.12), dbSNP rs200328905, ClinGen allele CA1823993.

ClinVar aggregate classification (germline): Uncertain significance (1 of 4 stars; one submission).

Conditions:
Familial acute necrotizing encephalopathy (IIAE3). Also called: ENCEPHALOPATHY, ACUTE, INFECTION-INDUCED, SUSCEPTIBILITY TO, 3; Susceptibility to Acute Necrotizing Encephalopathy 1. Identifiers: Orphanet 88619, MedGen C2675556, MONDO:0011953, OMIM 608033.

Allele frequency attached by ClinVar (database versions not stated): ExAC 0.00005; gnomAD exomes 0.00006 and 0.00008; 1000 Genomes Project 30x 0.00016; gnomAD 0.00017 and 0.00018; 1000 Genomes Project 0.00020; TOPMed 0.00025.
gnomAD v4.1: 135 of 1,614,228 alleles (0.0084%); highest among the groups gnomAD compares: Admixed American, 0.035%; no homozygotes.

Submission:

Labcorp Genetics (formerly Invitae), Labcorp
Classification: Uncertain significance for Familial acute necrotizing encephalopathy. Last evaluated: 2024-05-06. Review status: criteria provided, single submitter. Criteria: Invitae Variant Classification Sherloc (09022015). Collection method: clinical testing. Allele origin: germline.
Comment: This sequence change replaces phenylalanine, which is neutral and non-polar, with leucine, which is neutral and non-polar, at codon 3085 of the RANBP2 protein (p.Phe3085Leu). This variant is present in population databases (rs200328905, gnomAD 0.01%). This variant has not been reported in the literature in individuals affected with RANBP2-related conditions. ClinVar contains an entry for this variant (Variation ID: 574717). Algorithms developed to predict the effect of missense changes on protein structure and function output the following: SIFT: "Not Available"; PolyPhen-2: "Possibly Damaging"; Align-GVGD: "Not Available". The leucine amino acid residue is found in multiple mammalian species, which suggests that this missense change does not adversely affect protein function. In summary, the available evidence is currently insufficient to determine the role of this variant in disease. Therefore, it has been classified as a Variant of Uncertain Significance.